The following is an entry in ClinVar:

ClinVar aggregate classification (germline): Uncertain significance (1 of 4 stars; one submission).

Conditions:
Microcephaly 9, primary, autosomal recessive. Identifiers: Orphanet 2512, MedGen C3553886, MONDO:0013923, OMIM 614852.
Seckel syndrome 5 (SCKL5). Identifiers: Orphanet 808, MedGen C3151187, MONDO:0013443, OMIM 613823.

gnomAD v4.1: 5 of 1,613,676 alleles (0.00031%); highest among the groups gnomAD compares: East Asian, 0.011%; no homozygotes.

Submission:

Juno Genomics, Hangzhou Juno Genomics, Inc
Classification: Uncertain significance for Microcephaly 9, primary, autosomal recessive; Seckel syndrome 5. Review status: criteria provided, single submitter. Criteria: ACMG Guidelines, 2015. Collection method: clinical testing. Allele origin: germline.
Comment: Absent from controls (or at extremely low frequency if recessive) in Genome Aggregation Database.

NM_001194998.2(CEP152):c.2194T>C (p.Cys732Arg)

Gene: CEP152 (centrosomal protein 152; minus strand). Cytogenetic location: 15q21.1.
Variant type: single nucleotide variant.
Coding change: c.2194T>C on transcript NM_001194998.2 (MANE Select); coding-DNA position 2194, T replaced by C.
Protein change: p.Cys732Arg; replaces cysteine 732 with arginine.
Molecular consequence: missense variant.
Genome position (GRCh38, 1-based): chr15:48,767,146, A>G on the plus strand (T>C on the coding strand, the complement: CEP152 is on the minus strand). VCF-style: chr15-48767146-A-G. GRCh37 (hg19) VCF-style: chr15-49059343-A-G.
Other names: c.2194T>C, p.Cys732Arg (NM_014985.4); short protein forms C732R.
Identifiers: ClinVar variation 5005426 (VCV005005426.2).